The following is an entry in ClinVar:

NM_001329943.3(KIAA0586):c.4231G>A (p.Glu1411Lys)

Gene: KIAA0586 (KIAA0586; plus strand). Cytogenetic location: 14q23.1.
Variant type: single nucleotide variant.
Coding change: c.4231G>A on transcript NM_001329943.3 (MANE Select); coding-DNA position 4231, G replaced by A.
Protein change: p.Glu1411Lys; replaces glutamic acid 1411 with lysine.
Molecular consequence: missense variant.
Genome position (GRCh38, 1-based): chr14:58,508,617, G>A. VCF-style: chr14-58508617-G-A. GRCh37 (hg19) VCF-style: chr14-58975335-G-A.
Other names: c.4390G>A, p.Glu1464Lys (NM_001244189.2); c.4186G>A, p.Glu1396Lys (NM_001244190.2); c.3976G>A, p.Glu1326Lys (NM_001244191.2, NM_001329945.2, NM_001364700.1 and 1 more transcripts); c.4099G>A, p.Glu1367Lys (NM_001244192.2, NM_001329947.2); c.3811G>A, p.Glu1271Lys (NM_001244193.2); c.4231G>A, p.Glu1411Lys (NM_001329944.2, NM_001329946.2); c.4003G>A, p.Glu1335Lys (NM_014749.5); short protein forms E1271K, E1326K, E1367K, E1411K, E1335K, E1464K, E1396K.
Identifiers: ClinVar variation 1951082 (VCV001951082.5), dbSNP rs1381013551, ClinGen allele CA390057801.
Genomic context (GRCh38, chr14:58,508,617, plus strand): 5'-AGTATTTATGAAGATTCATGTGCTAGTCATGGTCCAATGAGTTTGGGAGAATTGGAGTTG[G>A]AGCCAAATTCTAAGCTGGTTCTTCCCACAACACTTCTGACAGCACAAGAAAATGATGTTA-3'
Protein context (NP_001316872.1, residues 1401-1421): GPMSLGELEL[Glu1411Lys]PNSKLVLPTT

ClinVar aggregate classification (germline): Uncertain significance (1 of 4 stars; one submission).

Conditions:
Joubert syndrome 23 (JBTS23). Identifiers: Orphanet 475, MedGen C4084822, MONDO:0014664, OMIM 616490.
Short-rib thoracic dysplasia 14 with polydactyly (SRTD14). Identifiers: Orphanet 397715, MedGen C4225286, MONDO:0014688, OMIM 616546.

Allele frequency attached by ClinVar (database versions not stated): gnomAD exomes 0.00001.

Submission:

Labcorp Genetics (formerly Invitae), Labcorp
Classification: Uncertain significance for Joubert syndrome 23; Short-rib thoracic dysplasia 14 with polydactyly. Last evaluated: 2022-01-28. Review status: criteria provided, single submitter. Criteria: Invitae Variant Classification Sherloc (09022015). Collection method: clinical testing. Allele origin: germline.
Comment: This variant is not present in population databases (gnomAD no frequency). This variant has not been reported in the literature in individuals affected with KIAA0586-related conditions. Algorithms developed to predict the effect of missense changes on protein structure and function (SIFT, PolyPhen-2, Align-GVGD) all suggest that this variant is likely to be tolerated. In summary, the available evidence is currently insufficient to determine the role of this variant in disease. Therefore, it has been classified as a Variant of Uncertain Significance. This sequence change replaces glutamic acid, which is acidic and polar, with lysine, which is basic and polar, at codon 1464 of the KIAA0586 protein (p.Glu1464Lys).